The following is an entry in ClinVar:

NM_000038.6(APC):c.904C>G (p.Arg302Gly)

Gene: APC (APC regulator of Wnt signaling pathway; plus strand). Cytogenetic location: 5q22.2.
Variant type: single nucleotide variant.
Coding change: c.904C>G on transcript NM_000038.6 (MANE Select); coding-DNA position 904, C replaced by G.
Protein change: p.Arg302Gly; replaces arginine 302 with glycine.
Molecular consequence: missense variant.
Genome position (GRCh38, 1-based): chr5:112,815,564, C>G. VCF-style: chr5-112815564-C-G. GRCh37 (hg19) VCF-style: chr5-112151261-C-G.
Other names: c.904C>G, p.Arg302Gly (NM_001407454.1, NM_001407457.1, NM_001407458.1 and 12 more transcripts); c.850C>G, p.Arg284Gly (NM_001127511.3); c.934C>G, p.Arg312Gly (NM_001354897.2, NM_001354902.2, NM_001407446.1); c.829C>G, p.Arg277Gly (NM_001354898.2, NM_001354904.2, NM_001407451.1); c.820C>G, p.Arg274Gly (NM_001354899.2, NM_001407452.1, NM_001407467.1 and 1 more transcripts); c.727C>G, p.Arg243Gly (NM_001354900.2, NM_001354901.2, NM_001354905.2 and 1 more transcripts); c.55C>G, p.Arg19Gly (NM_001354906.2, NM_001407470.1, NM_001407471.1 and 1 more transcripts); short protein forms R19G, R302G, R312G, R243G, R274G, R277G, R284G.
Identifiers: ClinVar variation 1765594 (VCV001765594.7), dbSNP rs137854568, ClinGen allele CA16023292.

ClinVar aggregate classification (germline): Uncertain significance. Review status: criteria provided, multiple submitters, no conflicts (2 of 4 stars). 2 submissions from 2 submitters: Uncertain significance (2). Last evaluated 2025-04-02.

Conditions:
Hereditary cancer-predisposing syndrome. Also called: Neoplastic Syndromes, Hereditary; Tumor predisposition; Hereditary Cancer Syndrome; Hereditary neoplastic syndrome. Identifiers: Orphanet 140162, MedGen C0027672, MeSH D009386, MONDO:0015356.
Familial adenomatous polyposis 1 (FAP1). Also called: FAMILIAL ADENOMATOUS POLYPOSIS 1, ATTENUATED; POLYPOSIS, ADENOMATOUS INTESTINAL. Identifiers: MedGen C2713442, MONDO:0021056, OMIM 175100. Disease mechanism: loss of function.

Allele frequency attached by ClinVar (database versions not stated): gnomAD exomes below 0.00001.
gnomAD v4.1: 1 of 1,611,772 alleles (0.000062%); highest among the groups gnomAD compares: Non-Finnish European, 0.000085%; no homozygotes.

Submissions (2):

Labcorp Genetics (formerly Invitae), Labcorp
Classification: Uncertain significance for Familial adenomatous polyposis 1. Last evaluated: 2025-04-02. Review status: criteria provided, single submitter. Criteria: Invitae Variant Classification Sherloc (09022015). Collection method: clinical testing. Allele origin: germline.
Comment: This sequence change replaces arginine, which is basic and polar, with glycine, which is neutral and non-polar, at codon 302 of the APC protein (p.Arg302Gly). This variant is not present in population databases (gnomAD no frequency). This variant has not been reported in the literature in individuals affected with APC-related conditions. ClinVar contains an entry for this variant (Variation ID: 1765594). Invitae Evidence Modeling of protein sequence and biophysical properties (such as structural, functional, and spatial information, amino acid conservation, physicochemical variation, residue mobility, and thermodynamic stability) indicates that this missense variant is not expected to disrupt APC protein function with a negative predictive value of 95%. In summary, the available evidence is currently insufficient to determine the role of this variant in disease. Therefore, it has been classified as a Variant of Uncertain Significance.

Ambry Genetics
Classification: Uncertain significance for Hereditary cancer-predisposing syndrome. Last evaluated: 2020-01-29. Review status: criteria provided, single submitter. Criteria: Ambry Variant Classification Scheme 2023. Collection method: clinical testing. Allele origin: germline.
Comment: The p.R302G variant (also known as c.904C>G), located in coding exon 8 of the APC gene, results from a C to G substitution at nucleotide position 904. The arginine at codon 302 is replaced by glycine, an amino acid with dissimilar properties. This amino acid position is highly conserved in available vertebrate species. In addition, in silico predictors for this gene do not accurately predict pathogenicity. Since supporting evidence is limited at this time, the clinical significance of this alteration remains unclear.